The following is an entry in ClinVar:

ClinVar aggregate classification (germline): Uncertain significance. Review status: criteria provided, multiple submitters, no conflicts (2 of 4 stars). 6 submissions from 6 submitters: Uncertain significance (5). 1 of the submissions does not count toward it. Last evaluated 2024-06-23.

Conditions:
Neurodevelopmental disorder with cerebellar atrophy and with or without seizures. Identifiers: MedGen C4748032, MONDO:0020841, OMIM 618056.
Neonatal-onset encephalopathy with rigidity and seizures. Also called: Lethal neonatal spasticity-epileptic encephalopathy syndrome. Identifiers: Orphanet 435845, MedGen C3281029, MONDO:0013784, OMIM 614498.
Inborn genetic diseases. Identifiers: MedGen C0950123, MeSH D030342.
BRAT1-related disorder. Also called: BRAT1-related disorders; BRAT1-related condition.

Allele frequency attached by ClinVar (database versions not stated): gnomAD exomes 0.00003 and 0.00004; ExAC 0.00004; gnomAD 0.00006; TOPMed 0.00006.
gnomAD v4.1: 47 of 1,563,708 alleles (0.003%); highest among the groups gnomAD compares: South Asian, 0.018%; no homozygotes.

Submissions (6):

GeneDx
Classification: Uncertain significance. Last evaluated: 2024-06-23. Review status: criteria provided, single submitter. Criteria: GeneDx Variant Classification Process June 2021. Collection method: clinical testing. Allele origin: germline. Affected: yes.
Comment: Not observed at significant frequency in large population cohorts (gnomAD); In silico analysis indicates that this missense variant does not alter protein structure/function; Has not been previously published as pathogenic or benign to our knowledge

Ambry Genetics
Classification: Uncertain significance for Inborn genetic diseases. Last evaluated: 2024-06-10. Review status: criteria provided, single submitter. Criteria: Ambry Variant Classification Scheme 2023. Collection method: clinical testing. Allele origin: germline.

Labcorp Genetics (formerly Invitae), Labcorp
Classification: Uncertain significance for Neonatal-onset encephalopathy with rigidity and seizures. Last evaluated: 2022-09-01. Review status: criteria provided, single submitter. Criteria: Invitae Variant Classification Sherloc (09022015). Collection method: clinical testing. Allele origin: germline.
Comment: This sequence change replaces valine, which is neutral and non-polar, with isoleucine, which is neutral and non-polar, at codon 116 of the BRAT1 protein (p.Val116Ile). The frequency data for this variant in the population databases is considered unreliable, as metrics indicate poor data quality at this position in the gnomAD database. This variant has not been reported in the literature in individuals affected with BRAT1-related conditions. ClinVar contains an entry for this variant (Variation ID: 567707). Algorithms developed to predict the effect of missense changes on protein structure and function output the following: SIFT: "Tolerated"; PolyPhen-2: "Benign"; Align-GVGD: "Class C0". The isoleucine amino acid residue is found in multiple mammalian species, which suggests that this missense change does not adversely affect protein function. In summary, the available evidence is currently insufficient to determine the role of this variant in disease. Therefore, it has been classified as a Variant of Uncertain Significance.

New York Genome Center
Classification: Uncertain significance for Neurodevelopmental disorder with cerebellar atrophy and with or without seizures. Last evaluated: 2021-08-27. Review status: criteria provided, single submitter. Criteria: NYGC Assertion Criteria 2020. Collection method: clinical testing. Allele origin: inherited. Observed: 1 compound heterozygote. Study: CSER-NYCKidSeq.

Athena Diagnostics
Classification: Uncertain significance. Last evaluated: 2018-11-19. Review status: criteria provided, single submitter. Criteria: Athena Diagnostics Criteria. Collection method: clinical testing. Allele origin: germline.

PreventionGenetics, part of Exact Sciences
Classification: Uncertain significance for BRAT1-related condition. Last evaluated: 2024-08-19. Review status: no assertion criteria provided. Collection method: clinical testing. Allele origin: germline. Not counted in ClinVar's aggregate classification.
Comment: The BRAT1 c.346G>A variant is predicted to result in the amino acid substitution p.Val116Ile. To our knowledge, this variant has not been reported in the literature. This variant is reported in 0.012% of alleles in individuals of South Asian descent in gnomAD. At this time, the clinical significance of this variant is uncertain due to the absence of conclusive functional and genetic evidence.

NM_152743.4(BRAT1):c.346G>A (p.Val116Ile)

Gene: BRAT1 (BRCA1 associated ATM activator 1; minus strand). Cytogenetic location: 7p22.3.
Variant type: single nucleotide variant.
Coding change: c.346G>A on transcript NM_152743.4 (MANE Select); coding-DNA position 346, G replaced by A.
Protein change: p.Val116Ile; replaces valine 116 with isoleucine.
Molecular consequence: missense variant. On other transcripts: non-coding transcript variant (1), intron variant (1).
Genome position (GRCh38, 1-based): chr7:2,544,993, C>T on the plus strand (G>A on the coding strand, the complement: BRAT1 is on the minus strand). VCF-style: chr7-2544993-C-T. GRCh37 (hg19) VCF-style: chr7-2584627-C-T.
Other names: c.346G>A, p.Val116Ile (NM_001350626.2); c.-95-1031G>A (NM_001350627.2); short protein forms V116I.
Identifiers: ClinVar variation 567707 (VCV000567707.13), dbSNP rs750543404, ClinGen allele CA4128232.
Genomic context (GRCh38, chr7:2,544,993, plus strand): 5'-CGCTGGGGTGCTGTGCCAGGGAGCGCAGGCCCTGGATCCAGCCGCTGCGCACGGTGGGGA[C>T]GGCCCAGGTTGCTCGGCCGAGGGGTCCTGGCTCCCCAAAGAGCCCTGGTAGTAACTCCCC-3'
Protein context (NP_689956.2, residues 106-126): PGPLGRATWA[Val116Ile]PTVRSGWIQG